The following is an entry in ClinVar:

NM_006514.4(SCN10A):c.4139G>A (p.Arg1380Gln)

Gene: SCN10A (sodium voltage-gated channel alpha subunit 10; minus strand). Cytogenetic location: 3p22.2.
Variant type: single nucleotide variant.
Coding change: c.4139G>A on transcript NM_006514.4 (MANE Select); coding-DNA position 4139, G replaced by A.
Protein change: p.Arg1380Gln; replaces arginine 1380 with glutamine.
Molecular consequence: missense variant.
Genome position (GRCh38, 1-based): chr3:38,710,848, C>T on the plus strand (G>A on the coding strand, the complement: SCN10A is on the minus strand). VCF-style: chr3-38710848-C-T. GRCh37 (hg19) VCF-style: chr3-38752339-C-T.
Other names: c.4136G>A, p.Arg1379Gln (NM_001293306.2); c.3845G>A, p.Arg1282Gln (NM_001293307.2); short protein forms R1380Q, R1282Q, R1379Q.
Identifiers: ClinVar variation 532127 (VCV000532127.15), dbSNP rs149155352, ClinGen allele CA2320008.

ClinVar aggregate classification (germline): Conflicting classifications of pathogenicity. Review status: criteria provided, conflicting classifications (1 of 4 stars). 5 submissions from 5 submitters: Uncertain significance (4); Likely benign (1). Last evaluated 2025-10-07.

Conditions:
Cardiovascular phenotype. Identifiers: MedGen CN230736.
Episodic pain syndrome, familial, 2 (FEPS2). Identifiers: Orphanet 306577, MedGen C3809893, MONDO:0014246, OMIM 615551.
Brugada syndrome. Also called: Sudden unexpected nocturnal death syndrome; Sudden unexplained nocturnal death syndrome; Sudden Unexplained Death Syndrome; Sudden Unexplained Nocturnal Death Syndrome (SUNDS). Identifiers: Orphanet 130, MedGen C1142166, MONDO:0015263.

Allele frequency attached by ClinVar (database versions not stated): gnomAD exomes 0.00006; ExAC 0.00009; gnomAD 0.00009; TOPMed 0.00011; 1000 Genomes Project 0.00020; ESP Exome Variant Server 0.00023; 1000 Genomes Project 30x 0.00031.
gnomAD v4.1: 289 of 1,613,402 alleles (0.018%); highest among the groups gnomAD compares: East Asian, 0.033%; no homozygotes.

Submissions (5):

Labcorp Genetics (formerly Invitae), Labcorp
Classification: Uncertain significance for Brugada syndrome. Last evaluated: 2025-10-07. Review status: criteria provided, single submitter. Criteria: Invitae Variant Classification Sherloc (09022015). Collection method: clinical testing. Allele origin: germline.
Comment: This sequence change replaces arginine, which is basic and polar, with glutamine, which is neutral and polar, at codon 1380 of the SCN10A protein (p.Arg1380Gln). This variant is present in population databases (rs149155352, gnomAD 0.01%). This missense change has been observed in individual(s) with atrial fibrillation, Brugada syndrome, and/or small fiber neuropathy (PMID: 25053638, 25842276, 30554136). ClinVar contains an entry for this variant (Variation ID: 532127). Invitae Evidence Modeling of protein sequence and biophysical properties (such as structural, functional, and spatial information, amino acid conservation, physicochemical variation, residue mobility, and thermodynamic stability) indicates that this missense variant is not expected to disrupt SCN10A protein function with a negative predictive value of 80%. In summary, the available evidence is currently insufficient to determine the role of this variant in disease. Therefore, it has been classified as a Variant of Uncertain Significance.

Blueprint Genetics
Classification: Uncertain significance. Last evaluated: 2024-11-12. Review status: criteria provided, single submitter. Criteria: ACMG Guidelines, 2015. Collection method: clinical testing. Allele origin: germline.

GeneDx
Classification: Uncertain significance. Last evaluated: 2024-10-22. Review status: criteria provided, single submitter. Criteria: GeneDx Variant Classification Process June 2021. Collection method: clinical testing. Allele origin: germline. Affected: yes.
Comment: Reported in association with Brugada syndrome, recurrent atrial fibrillation, and small fibre neuropathy (SFN) in published literature (PMID: 25053638, 25842276, 30554136); In silico analysis supports that this missense variant has a deleterious effect on protein structure/function; This variant is associated with the following publications: (PMID: 30821013, 25053638, 28407228, 30483629, 34312669, 25842276, 30554136)

Ambry Genetics
Classification: Likely benign for Cardiovascular phenotype. Last evaluated: 2021-11-08. Review status: criteria provided, single submitter. Criteria: Ambry Variant Classification Scheme 2023. Collection method: clinical testing. Allele origin: germline.

Fulgent Genetics
Classification: Uncertain significance for Episodic pain syndrome, familial, 2. Last evaluated: 2021-09-03. Review status: criteria provided, single submitter. Criteria: ACMG Guidelines, 2015. Collection method: clinical testing. Allele origin: unknown.

Literature cited by the submitters: PubMed 25053638 (cited by Labcorp Genetics (formerly Invitae), Labcorp); PubMed 25842276 (cited by Labcorp Genetics (formerly Invitae), Labcorp); PubMed 30554136 (cited by Labcorp Genetics (formerly Invitae), Labcorp).